The following is an entry in ClinVar:

ClinVar aggregate classification (germline): Pathogenic (1 of 4 stars; one submission).

Conditions:
Hereditary cancer-predisposing syndrome. Also called: Tumor predisposition; Hereditary Cancer Syndrome; Neoplastic Syndromes, Hereditary; Hereditary neoplastic syndrome. Identifiers: Orphanet 140162, MedGen C0027672, MeSH D009386, MONDO:0015356.

Submission:

Molecular Diagnostics Laboratory, Catalan Institute of Oncology
Classification: Pathogenic for Hereditary cancer-predisposing syndrome. Last evaluated: 2024-10-20. Review status: criteria provided, single submitter. Criteria: ClinGen BRCA1BRCA2 ACMG Specifications BRCA1 V1.0.0. Collection method: clinical testing. Allele origin: germline.
Comment: PVS1, PM5_PTC_Strong c.673_680delinsCAGTAT, located in exon 10 (11 according BIC nomenclature) of the BRCA1 gene, consists in the substitution of 8 nucleotides from position 673 to 680 and the insertion of 6 nucleotides causing a premature protein truncation and nonsense-mediated mRNA decay; p.(Ala225Glnfs*5) (PVS1, PM5_PTC_Strong). It is not present in the population database gnomAD v2.1.1, non cancer dataset. No effect is predicted on splicing by computational tools. To our knowledge, neither clinical data nor functional studies have been reported for this variant. This variant has not been reported neither in ENIGMA, ClinVar, nor LOVD databases. Based on currently available information, the variant c.673_680delinsCAGTAT should be considered a pathogenic variant.

NM_007294.4(BRCA1):c.673_680delinsCAGTAT (p.Ala225fs)

Gene: BRCA1 (BRCA1 DNA repair associated; minus strand). Cytogenetic location: 17q21.31.
Variant type: Indel.
Coding change: c.673_680delinsCAGTAT on transcript NM_007294.4 (MANE Select); coding-DNA positions 673 to 680, GCTTGTGA replaced by CAGTAT.
Protein change: p.Ala225fs; shifts the reading frame from alanine 225.
Molecular consequence: frameshift variant. On other transcripts: intron variant (13), 5 prime UTR variant (2).
Genome position (GRCh38, 1-based): chr17:43,094,851-43,094,858, TCACAAGC replaced by ATACTG on the plus strand (GCTTGTGA replaced by CAGTAT on the coding strand, the reverse complement: BRCA1 is on the minus strand). VCF-style: chr17-43094851-TCACAAGC-ATACTG. GRCh37 (hg19) VCF-style: chr17-41246868-TCACAAGC-ATACTG.
Other names: c.463_470delinsCAGTAT, p.Ala155fs (NM_001408492.1, NM_001408513.1, NM_001408514.1 and 25 more transcripts); c.460_467delinsCAGTAT, p.Ala154fs (NM_001408493.1, NM_001407571.1, NM_001407853.1 and 12 more transcripts); c.409_416delinsCAGTAT, p.Ala137fs (NM_001408496.1, NM_001408497.1, NM_001408498.1 and 15 more transcripts); c.340_347delinsCAGTAT, p.Ala114fs (NM_001408502.1, NM_001407946.1, NM_001407947.1 and 7 more transcripts); c.406_413delinsCAGTAT, p.Ala136fs (NM_001408503.1, NM_001408504.1, NM_001408505.1 and 5 more transcripts); c.337_344delinsCAGTAT, p.Ala113fs (NM_001408508.1, NM_001408509.1, NM_001407954.1 and 3 more transcripts); c.292_299delinsCAGTAT, p.Ala98fs (NM_001408510.1, NM_001407959.1, NM_001407960.1 and 1 more transcripts); c.532_539delinsCAGTAT, p.Ala178fs (NM_001407944.1, NM_001407945.1, NM_001407942.1 and 43 more transcripts); and 20 more; short protein forms A113fs, A114fs, A136fs, A137fs, A154fs, A155fs, A157fs, A158fs.
Identifiers: ClinVar variation 3774436 (VCV003774436.1).